The following is an entry in ClinVar:

ClinVar aggregate classification (germline): Uncertain significance (1 of 4 stars; one submission).

Conditions:
Hypertrophic cardiomyopathy. Also called: HYPERTROPHIC MYOCARDIOPATHY. Identifiers: Orphanet 217569, MedGen C0007194, MeSH D002312, MONDO:0005045, HP:0001639.

Submission:

Labcorp Genetics (formerly Invitae), Labcorp
Classification: Uncertain significance for Hypertrophic cardiomyopathy. Last evaluated: 2021-08-03. Review status: criteria provided, single submitter. Criteria: Invitae Variant Classification Sherloc (09022015). Collection method: clinical testing. Allele origin: germline.
Comment: Algorithms developed to predict the effect of missense changes on protein structure and function are either unavailable or do not agree on the potential impact of this missense change (SIFT: "Deleterious"; PolyPhen-2: "Possibly Damaging"; Align-GVGD: "Class C0"). This missense change has been observed in individual(s) with clinical features of MYBPC3-related conditions (Invitae). This variant is not present in population databases (ExAC no frequency). This sequence change replaces aspartic acid with glycine at codon 163 of the MYBPC3 protein (p.Asp163Gly). The aspartic acid residue is highly conserved and there is a moderate physicochemical difference between aspartic acid and glycine. In summary, the available evidence is currently insufficient to determine the role of this variant in disease. Therefore, it has been classified as a Variant of Uncertain Significance.

NM_000256.3(MYBPC3):c.488A>G (p.Asp163Gly)

Gene: MYBPC3 (myosin binding protein C3; minus strand). Cytogenetic location: 11p11.2.
Variant type: single nucleotide variant.
Coding change: c.488A>G on transcript NM_000256.3 (MANE Select); coding-DNA position 488, A replaced by G.
Protein change: p.Asp163Gly; replaces aspartic acid 163 with glycine.
Molecular consequence: missense variant.
Genome position (GRCh38, 1-based): chr11:47,350,031, T>C on the plus strand (A>G on the coding strand, the complement: MYBPC3 is on the minus strand). VCF-style: chr11-47350031-T-C. GRCh37 (hg19) VCF-style: chr11-47371582-T-C.
Other names: short protein forms D163G.
Identifiers: ClinVar variation 1408956 (VCV001408956.6), dbSNP rs2142868062, ClinGen allele CA380338465.
Genomic context (GRCh38, chr11:47,350,031, plus strand): 5'-CCCCCTTCCCACCCCAATGCTGGGCACAGCAGCTCACACTCACCCACGGTCACCTCGCCA[T>C]CCTGTGGCCGCATCACGAAGAGGCCAATGGGGTCATCGGGGGCTCCAGGGGTAGGACCAT-3'
Protein context (NP_000247.2, residues 153-173): PIGLFVMRPQ[Asp163Gly]GEVTVGGSIT